The following is an entry in ClinVar:

ClinVar aggregate classification (germline): Uncertain significance (1 of 4 stars; one submission).

Submission:

GeneDx
Classification: Uncertain significance. Last evaluated: 2025-05-30. Review status: criteria provided, single submitter. Criteria: GeneDx Variant Classification Process June 2021. Collection method: clinical testing. Allele origin: germline.
Comment: Not observed at significant frequency in large population cohorts (gnomAD); In silico analysis supports that this missense variant has a deleterious effect on protein structure/function; Has not been previously published as pathogenic or benign to our knowledge

NM_013275.6(ANKRD11):c.16T>C (p.Cys6Arg)

Gene: ANKRD11 (ankyrin repeat domain 11; minus strand). Cytogenetic location: 16q24.3.
Variant type: single nucleotide variant.
Coding change: c.16T>C on transcript NM_013275.6 (MANE Select); coding-DNA position 16, T replaced by C.
Protein change: p.Cys6Arg; replaces cysteine 6 with arginine.
Molecular consequence: missense variant. On other transcripts: non-coding transcript variant (1).
Genome position (GRCh38, 1-based): chr16:89,317,004, A>G on the plus strand (T>C on the coding strand, the complement: ANKRD11 is on the minus strand). VCF-style: chr16-89317004-A-G. GRCh37 (hg19) VCF-style: chr16-89383412-A-G.
Other names: c.16T>C, p.Cys6Arg (NM_001256182.2, NM_001256183.2); short protein forms C6R.
Identifiers: ClinVar variation 3899012 (VCV003899012.2).